The following is an entry in ClinVar:

ClinVar aggregate classification (germline): Benign (3 of 4 stars; one submission).

Conditions:
Breast-ovarian cancer, familial, susceptibility to, 1 (BROVCA1). Also called: BRCA1 Hereditary Breast and Ovarian Cancer; OVARIAN CANCER, SUSCEPTIBILITY TO. Identifiers: Orphanet 145, MedGen C2676676, MONDO:0011450, OMIM 604370. Disease mechanism: loss of function.

Submission:

Evidence-based Network for the Interpretation of Germline Mutant Alleles (ENIGMA)
Classification: Benign for Breast-ovarian cancer, familial 1. Last evaluated: 2015-01-12. Review status: reviewed by expert panel. Criteria: ENIGMA BRCA1/2 Classification Criteria (2015). Collection method: curation. Allele origin: germline.
Comment: Class 1 not pathogenic based on frequency >1% in an outbred sampleset. Frequency 0.03 (Asian), 0.45 (African), 0.03 (European), derived from 1000 genomes (2012-04-30).

NM_007294.4(BRCA1):c.442-692TA[6]

Gene: BRCA1 (BRCA1 DNA repair associated; minus strand). Cytogenetic location: 17q21.31.
Variant type: Microsatellite.
Coding change: c.442-692TA[6] on transcript NM_007294.4 (MANE Select); six copies in a row of the 2-base unit TA starting at c.442-692; the reference has seven copies in a row; one copy, 2 bases deleted.
Molecular consequence: intron variant.
Genome position (GRCh38, 1-based): chr17:43,100,559-43,100,560, TA deleted on the plus strand (TA on the coding strand, the reverse complement: BRCA1 is on the minus strand); deleting any 2 consecutive bases within chr17:43,100,559-43,100,572 gives the same sequence; the position shown is the placement nearest the transcript's 3' end. VCF-style (leftmost placement, unchanged base first): chr17-43100558-GTA-G. GRCh37 (hg19) VCF-style: chr17-41252575-GTA-G.
Other names: IVS 7-680del2; c.442-680_442-679del (NM_007294.3); c.442-692TA[6] (NM_001408423.1, NM_001408420.1, NM_001408404.1 and 96 more transcripts); c.232-692TA[6] (NM_001408492.1, NM_001407889.1, NM_001408513.1 and 37 more transcripts); c.301-695TA[6] (NM_001408468.1, NM_001407842.1, NM_001407749.1 and 35 more transcripts); c.301-692TA[6] (NM_001408501.1, NM_001408455.1, NM_001407731.1 and 61 more transcripts); c.-218-5712TA[6] (NM_001407966.1, NM_001407967.1); c.61-692TA[6] (NM_001407963.1, NM_001407960.1, NM_001407965.1 and 3 more transcripts); and 7 more.
Identifiers: ClinVar variation 209465 (VCV000209465.2), dbSNP rs530582154, ClinGen allele CA276435.